The following is an entry in ClinVar:

NM_001098.3(ACO2):c.604G>C (p.Gly202Arg)

Gene: ACO2 (aconitase 2; plus strand). Cytogenetic location: 22q13.2.
Variant type: single nucleotide variant.
Coding change: c.604G>C on transcript NM_001098.3 (MANE Select); coding-DNA position 604, G replaced by C.
Protein change: p.Gly202Arg; replaces glycine 202 with arginine.
Molecular consequence: missense variant.
Genome position (GRCh38, 1-based): chr22:41,515,455, G>C. VCF-style: chr22-41515455-G-C. GRCh37 (hg19) VCF-style: chr22-41911459-G-C.
Other names: short protein forms G202R.
Identifiers: ClinVar variation 2850758 (VCV002850758.3), dbSNP rs2518222303, ClinGen allele CA411718035.

ClinVar aggregate classification (germline): Uncertain significance (1 of 4 stars; one submission).

Submission:

Labcorp Genetics (formerly Invitae), Labcorp
Classification: Uncertain significance. Last evaluated: 2023-04-18. Review status: criteria provided, single submitter. Criteria: Invitae Variant Classification Sherloc (09022015). Collection method: clinical testing. Allele origin: germline.
Comment: In summary, the available evidence is currently insufficient to determine the role of this variant in disease. Therefore, it has been classified as a Variant of Uncertain Significance. This sequence change replaces glycine, which is neutral and non-polar, with arginine, which is basic and polar, at codon 202 of the ACO2 protein (p.Gly202Arg). This variant is not present in population databases (gnomAD no frequency). This variant has not been reported in the literature in individuals affected with ACO2-related conditions. Advanced modeling of protein sequence and biophysical properties (such as structural, functional, and spatial information, amino acid conservation, physicochemical variation, residue mobility, and thermodynamic stability) performed at Invitae indicates that this missense variant is expected to disrupt ACO2 protein function.